The following is an entry in ClinVar:

Conditions:
Breast-ovarian cancer, familial, susceptibility to, 1 (BROVCA1). Also called: BRCA1 Hereditary Breast and Ovarian Cancer; OVARIAN CANCER, SUSCEPTIBILITY TO. Identifiers: Orphanet 145, MedGen C2676676, MONDO:0011450, OMIM 604370. Disease mechanism: loss of function.

Submission:

Brotman Baty Institute, University of Washington
No classification provided (evidence only). Condition: Breast-ovarian cancer, familial 1. Review status: no classification provided. Collection method: in vitro. Allele origin: not applicable. Functional consequence: functionally_normal.
ClinVar note: "not provided" was previously submitted as the classification for the variant. However, the classification appeared to be based only on an observation of functional data so it was converted to no classification on 2025-07-30.

NM_007294.4(BRCA1):c.5407-6A>G

Gene: BRCA1 (BRCA1 DNA repair associated; minus strand). Cytogenetic location: 17q21.31.
Variant type: single nucleotide variant.
Coding change: c.5407-6A>G on transcript NM_007294.4 (MANE Select); 6 bases into the intron before coding-DNA position 5407, A replaced by G.
Molecular consequence: intron variant.
Genome position (GRCh38, 1-based): chr17:43,047,709, T>C on the plus strand (A>G on the coding strand, the complement: BRCA1 is on the minus strand). VCF-style: chr17-43047709-T-C. GRCh37 (hg19) VCF-style: chr17-41199726-T-C.
Other names: c.1954-6A>G (NM_001408458.1, NM_001408461.1, NM_001408464.1 and 7 more transcripts); c.4516-6A>G (NM_001407967.1); c.5026-6A>G (NM_001407959.1); c.5140-6A>G (NM_001407931.1, NM_001407932.1, NM_001407928.1 and 4 more transcripts); c.5263-6A>G (NM_001407747.1, NM_001407745.1, NM_001407737.1 and 18 more transcripts); c.5023-6A>G (NM_001407962.1, NM_001407960.1); c.1594-6A>G (NM_001408512.1); c.1717-6A>G (NM_001408510.1); and 83 more.
Identifiers: ClinVar variation 865457 (VCV000865457.3), dbSNP rs2050996914, ClinGen allele CA916080783.